The following is an entry in ClinVar:

NM_138694.4(PKHD1):c.8475del (p.Lys2825fs)

Gene: PKHD1 (PKHD1 ciliary IPT domain containing fibrocystin/polyductin; minus strand). Cytogenetic location: 6p12.3.
Variant type: Deletion.
Coding change: c.8475del on transcript NM_138694.4 (MANE Select); coding-DNA position 8475, one base deleted (G; older notation c.8475delG).
Protein change: p.Lys2825fs; shifts the reading frame from lysine 2825.
Molecular consequence: frameshift variant.
Genome position (GRCh38, 1-based): chr6:51,775,887, C deleted on the plus strand (G on the coding strand, the reverse complement: PKHD1 is on the minus strand). VCF-style (leftmost placement, unchanged base first): chr6-51775886-GC-G. GRCh37 (hg19) VCF-style: chr6-51640684-GC-G.
Other names: c.8475del, p.Lys2825fs (NM_170724.3); short protein forms K2825fs.
Identifiers: ClinVar variation 5007077 (VCV005007077.2).

ClinVar aggregate classification (germline): Likely pathogenic (1 of 4 stars; one submission).

Conditions:
Polycystic kidney disease 4 (PKD4). Also called: POLYCYSTIC KIDNEY DISEASE 4 WITH OR WITHOUT POLYCYSTIC LIVER DISEASE; POLYCYSTIC KIDNEY AND HEPATIC DISEASE 1; POLYCYSTIC KIDNEY DISEASE, INFANTILE, TYPE I; PKD3; Autosomal Recessive Polycystic Kidney Disease – PKHD1. Identifiers: MedGen C4540575, MONDO:0033004, OMIM 263200.

Submission:

Juno Genomics, Hangzhou Juno Genomics, Inc
Classification: Likely pathogenic for Polycystic kidney disease 4. Review status: criteria provided, single submitter. Criteria: ACMG Guidelines, 2015. Collection method: clinical testing. Allele origin: germline.
Comment: Null variant in a gene where loss of function (LOF) is a known mechanism of disease.;Absent from controls (or at extremely low frequency if recessive) in Genome Aggregation Database.